The following is an entry in ClinVar:

NM_177438.3(DICER1):c.531T>C (p.Cys177=)

Gene: DICER1 (dicer 1, ribonuclease III; minus strand). Cytogenetic location: 14q32.13.
Variant type: single nucleotide variant.
Coding change: c.531T>C on transcript NM_177438.3 (MANE Select); coding-DNA position 531, T replaced by C.
Protein change: p.Cys177=; no amino-acid change (cysteine 177 retained).
Molecular consequence: synonymous variant.
Genome position (GRCh38, 1-based): chr14:95,130,100, A>G on the plus strand (T>C on the coding strand, the complement: DICER1 is on the minus strand). VCF-style: chr14-95130100-A-G. GRCh37 (hg19) VCF-style: chr14-95596437-A-G.
Other names: c.531T>C, p.Cys177= (NM_001195573.1, NM_001271282.3, NM_001291628.2 and 1 more transcripts).
Identifiers: ClinVar variation 729987 (VCV000729987.16), dbSNP rs1436893275, ClinGen allele CA487633910.

ClinVar aggregate classification (germline): Benign/Likely benign. Review status: criteria provided, multiple submitters, no conflicts (2 of 4 stars). 4 submissions from 4 submitters: Benign (1); Likely benign (3). Last evaluated 2026-04-15.

Conditions:
DICER1-related tumor predisposition. Also called: DICER1-related pleuropulmonary blastoma cancer predisposition syndrome; DICER1 syndrome. Identifiers: Orphanet 284343, MedGen C3839822, MONDO:0100216.
Hereditary cancer-predisposing syndrome. Also called: Hereditary Cancer Syndrome; Hereditary neoplastic syndrome; Neoplastic Syndromes, Hereditary; Tumor predisposition. Identifiers: Orphanet 140162, MedGen C0027672, MeSH D009386, MONDO:0015356.

Allele frequency attached by ClinVar (database versions not stated): gnomAD exomes 0.00001 and below 0.00001.

Submissions (4):

Myriad Genetics, Inc.
Classification: Benign for DICER1-related tumor predisposition. Last evaluated: 2026-04-15. Review status: criteria provided, single submitter. Criteria: Myriad Autosomal Dominant, Autosomal Recessive and X-Linked Classification Criteria (2023). Collection method: clinical testing. Allele origin: unknown.
Comment: This variant is considered benign. This variant is a silent/synonymous amino acid change and it is not expected to impact splicing.

Labcorp Genetics (formerly Invitae), Labcorp
Classification: Likely benign for DICER1-related tumor predisposition. Last evaluated: 2025-11-13. Review status: criteria provided, single submitter. Criteria: Invitae Variant Classification Sherloc (09022015). Collection method: clinical testing. Allele origin: germline.

Quest Diagnostics Nichols Institute San Juan Capistrano
Classification: Likely benign. Last evaluated: 2023-06-30. Review status: criteria provided, single submitter. Criteria: Quest Diagnostics criteria. Collection method: clinical testing. Allele origin: unknown.

Ambry Genetics
Classification: Likely benign for Hereditary cancer-predisposing syndrome. Last evaluated: 2017-11-30. Review status: criteria provided, single submitter. Criteria: Ambry Variant Classification Scheme 2023. Collection method: clinical testing. Allele origin: germline.